The following is an entry in ClinVar:

NM_001256545.2(MEGF10):c.3354C>G (p.Asp1118Glu)

Gene: MEGF10 (multiple EGF like domains 10; plus strand). Cytogenetic location: 5q23.2.
Variant type: single nucleotide variant.
Coding change: c.3354C>G on transcript NM_001256545.2 (MANE Select); coding-DNA position 3354, C replaced by G.
Protein change: p.Asp1118Glu; replaces aspartic acid 1118 with glutamic acid.
Molecular consequence: missense variant.
Genome position (GRCh38, 1-based): chr5:127,457,249, C>G. VCF-style: chr5-127457249-C-G. GRCh37 (hg19) VCF-style: chr5-126792941-C-G.
Other names: c.3354C>G, p.Asp1118Glu (NM_032446.3); short protein forms D1118E.
Identifiers: ClinVar variation 707702 (VCV000707702.13), dbSNP rs372767788, ClinGen allele CA3392202.
Genomic context (GRCh38, chr5:127,457,249, plus strand): 5'-ATATGACCTCCCAAAGAACAGTCACATCCCTTGTCATTATGACCTGCTGCCAGTCCGAGA[C>G]AGTTCATCCTCCCCTAAGCAAGAGGACAGTGGTGGTAGCAGCAGCAACAGCAGCAGCAGC-3'
Protein context (NP_001243474.1, residues 1108-1128): PCHYDLLPVR[Asp1118Glu]SSSSPKQEDS

ClinVar aggregate classification (germline): Conflicting classifications of pathogenicity. Review status: criteria provided, conflicting classifications (1 of 4 stars). 3 submissions from 3 submitters: Uncertain significance (1); Benign (1). 1 of the submissions does not count toward it. Last evaluated 2025-12-25.

Conditions:
MEGF10-related disorder. Also called: MEGF10-related condition.
Inborn genetic diseases. Identifiers: MedGen C0950123, MeSH D030342.
MEGF10-related myopathy (CMYO10A). Also called: Congenital myopathy 10A, severe variant. Identifiers: Orphanet 439212, MedGen C3280679, MONDO:0013731, OMIM 614399.

Allele frequency attached by ClinVar (database versions not stated): gnomAD 0.00003 and 0.00014; TOPMed 0.00006; gnomAD exomes 0.00041 and 0.00078; 1000 Genomes Project 30x 0.00078; ExAC 0.00080; 1000 Genomes Project 0.00100.
gnomAD v4.1: 618 of 1,614,152 alleles (0.038%); highest among the groups gnomAD compares: South Asian, 0.63%; 2 homozygotes.

Submissions (3):

Labcorp Genetics (formerly Invitae), Labcorp
Classification: Benign for MEGF10-related myopathy. Last evaluated: 2025-12-25. Review status: criteria provided, single submitter. Criteria: Invitae Variant Classification Sherloc (09022015). Collection method: clinical testing. Allele origin: germline.

Ambry Genetics
Classification: Uncertain significance for Inborn genetic diseases. Last evaluated: 2025-08-25. Review status: criteria provided, single submitter. Criteria: Ambry Variant Classification Scheme 2023. Collection method: clinical testing. Allele origin: germline.

PreventionGenetics, part of Exact Sciences
Classification: Likely benign for MEGF10-related condition. Last evaluated: 2020-02-18. Review status: no assertion criteria provided. Collection method: clinical testing. Allele origin: germline. Not counted in ClinVar's aggregate classification.
Comment: This variant is classified as likely benign based on ACMG/AMP sequence variant interpretation guidelines (Richards et al. 2015 PMID: 25741868, with internal and published modifications).